The following is an entry in ClinVar:

ClinVar aggregate classification (germline): Uncertain significance (1 of 4 stars; one submission).

Conditions:
Autosomal dominant nonsyndromic hearing loss 12. Also called: DEAFNESS, AUTOSOMAL DOMINANT 8. Identifiers: Orphanet 90635, MedGen C1832187, MONDO:0011102, OMIM 601543.

Submission:

Victorian Clinical Genetics Services, Murdoch Childrens Research Institute
Classification: Uncertain significance for Autosomal dominant nonsyndromic hearing loss 12. Last evaluated: 2024-10-13. Review status: criteria provided, single submitter. Criteria: ACMG Guidelines, 2015. Collection method: clinical testing. Allele origin: germline. Affected: yes.
Comment: This variant is classified as VUS-3A. Evidence in support of pathogenic classification: Variant is absent from gnomAD (v2, v3 and v4). Additional information: Variant is predicted to result in a missense amino acid change from glycine to serine; This variant is heterozygous; This gene is associated with both recessive and dominant disease. Generally, biallelic loss of functional variants cause recessive deafness, while missense variants cause dominant deafness (PMID: 9949200, 20947814, 28946916). - This variant has no previous evidence of pathogenicity; No published segregation evidence has been identified for this variant; No published functional evidence has been identified for this variant; Another missense variant comparable to the one identified in this case has inconclusive previous evidence for pathogenicity. p.(Gly201Cys) has been classified three times as a VUS (ClinVar); Variant is located in the annotated NIDO domain (DECIPHER); Missense variant with inconclusive in silico prediction and high conservation; Loss of function is a known mechanism of disease in this gene and is associated with autosomal recessive deafness 21 (MIM#603629). The mechanism for autosomal dominant deafness, 8/12 (MIM#601543) is unknown; however, dominant negative is a suggested mechanism (OMIM, PMID: 31554319); Inheritance information for this variant is not currently available in this individual.

Literature cited by the submitters: PubMed 28946916; PubMed 20947814; PubMed 31554319; PubMed 9949200.

NM_005422.4(TECTA):c.601G>A (p.Gly201Ser)

Genes: TECTA (tectorin alpha; plus strand), TBCEL-TECTA (TBCEL-TECTA readthrough; plus strand). Cytogenetic location: 11q23.3.
Variant type: single nucleotide variant.
Coding change: c.601G>A on transcript NM_005422.4 (MANE Select); coding-DNA position 601, G replaced by A.
Protein change: p.Gly201Ser; replaces glycine 201 with serine.
Molecular consequence: missense variant.
Genome position (GRCh38, 1-based): chr11:121,113,186, G>A. VCF-style: chr11-121113186-G-A. GRCh37 (hg19) VCF-style: chr11-120983895-G-A.
Other names: c.1558G>A, p.Gly520Ser (NM_001378761.1); short protein forms G201S, G520S.
Identifiers: ClinVar variation 4531804 (VCV004531804.1).